The following is an entry in ClinVar:

ClinVar aggregate classification (germline): Uncertain significance (1 of 4 stars; one submission).

Submission:

Labcorp Genetics (formerly Invitae), Labcorp
Classification: Uncertain significance. Last evaluated: 2024-07-10. Review status: criteria provided, single submitter. Criteria: Invitae Variant Classification Sherloc (09022015). Collection method: clinical testing. Allele origin: germline.
Comment: This sequence change replaces lysine, which is basic and polar, with glutamic acid, which is acidic and polar, at codon 620 of the EMC1 protein (p.Lys620Glu). This variant is not present in population databases (gnomAD no frequency). This variant has not been reported in the literature in individuals affected with EMC1-related conditions. Advanced modeling of protein sequence and biophysical properties (such as structural, functional, and spatial information, amino acid conservation, physicochemical variation, residue mobility, and thermodynamic stability) performed at Invitae indicates that this missense variant is not expected to disrupt EMC1 protein function with a negative predictive value of 80%. In summary, the available evidence is currently insufficient to determine the role of this variant in disease. Therefore, it has been classified as a Variant of Uncertain Significance.

NM_015047.3(EMC1):c.1858A>G (p.Lys620Glu)

Genes: EMC1 (ER membrane protein complex subunit 1; minus strand), EMC1-AS1 (EMC1 antisense RNA 1; plus strand). Cytogenetic location: 1p36.13.
Variant type: single nucleotide variant.
Coding change: c.1858A>G on transcript NM_015047.3 (MANE Select); coding-DNA position 1858, A replaced by G.
Protein change: p.Lys620Glu; replaces lysine 620 with glutamic acid.
Molecular consequence: missense variant.
Genome position (GRCh38, 1-based): chr1:19,231,347, T>C on the plus strand (A>G on the coding strand, the complement: EMC1 is on the minus strand). VCF-style: chr1-19231347-T-C. GRCh37 (hg19) VCF-style: chr1-19557841-T-C.
Other names: c.1855A>G, p.Lys619Glu (NM_001271427.2, NM_001271428.2); c.1792A>G, p.Lys598Glu (NM_001271429.2); c.1867A>G, p.Lys623Glu (NM_001375820.1); c.1864A>G, p.Lys622Glu (NM_001375821.1); short protein forms K619E, K623E, K598E, K620E, K622E.
Identifiers: ClinVar variation 3656931 (VCV003656931.2).